The following is an entry in ClinVar:

ClinVar aggregate classification (germline): Benign/Likely benign. Review status: criteria provided, multiple submitters, no conflicts (2 of 4 stars). 3 submissions from 3 submitters: Benign (1); Likely benign (2). Last evaluated 2026-07-10.

Conditions:
Hereditary cancer-predisposing syndrome. Also called: Hereditary Cancer Syndrome; Hereditary neoplastic syndrome; Neoplastic Syndromes, Hereditary; Tumor predisposition. Identifiers: Orphanet 140162, MedGen C0027672, MeSH D009386, MONDO:0015356.
Rhabdoid tumor predisposition syndrome 2 (RTPS2). Identifiers: Orphanet 231108, Orphanet 69077, MedGen C2750074, MONDO:0013224, OMIM 613325.

Allele frequency attached by ClinVar (database versions not stated): gnomAD exomes below 0.00001.
gnomAD v4.1: 4 of 1,614,156 alleles (0.00025%); highest among the groups gnomAD compares: Non-Finnish European, 0.00034%; no homozygotes.

Submissions (3):

Myriad Genetics, Inc.
Classification: Benign for Rhabdoid tumor predisposition syndrome 2. Last evaluated: 2026-07-10. Review status: criteria provided, single submitter. Criteria: Myriad Autosomal Dominant, Autosomal Recessive and X-Linked Classification Criteria (2023). Collection method: clinical testing. Allele origin: unknown.
Comment: This variant is considered benign. This variant is a silent/synonymous amino acid change and it is not expected to impact splicing.

Labcorp Genetics (formerly Invitae), Labcorp
Classification: Likely benign for Rhabdoid tumor predisposition syndrome 2. Last evaluated: 2025-11-17. Review status: criteria provided, single submitter. Criteria: Invitae Variant Classification Sherloc (09022015). Collection method: clinical testing. Allele origin: germline.

Ambry Genetics
Classification: Likely benign for Hereditary cancer-predisposing syndrome. Last evaluated: 2016-07-18. Review status: criteria provided, single submitter. Criteria: Ambry Variant Classification Scheme 2023. Collection method: clinical testing. Allele origin: germline.

NM_003072.5(SMARCA4):c.1911G>A (p.Gly637=)

Gene: SMARCA4 (SWI/SNF related BAF chromatin remodeling complex subunit ATPase 4; plus strand). Cytogenetic location: 19p13.2.
Variant type: single nucleotide variant.
Coding change: c.1911G>A on transcript NM_003072.5 (MANE Select); coding-DNA position 1911, G replaced by A.
Protein change: p.Gly637=; no amino-acid change (glycine 637 retained).
Molecular consequence: synonymous variant. On other transcripts: non-coding transcript variant (1).
Genome position (GRCh38, 1-based): chr19:11,003,127, G>A. VCF-style: chr19-11003127-G-A. GRCh37 (hg19) VCF-style: chr19-11113803-G-A.
Other names: c.1911G>A, p.Gly637= (NM_001128844.3, NM_001128845.2, NM_001128846.2 and 5 more transcripts).
Identifiers: ClinVar variation 470270 (VCV000470270.15), dbSNP rs1555768411, ClinGen allele CA505486365.